The following is an entry in ClinVar:

ClinVar aggregate classification (germline): Uncertain significance (1 of 4 stars; one submission).

Submission:

Labcorp Genetics (formerly Invitae), Labcorp
Classification: Uncertain significance. Last evaluated: 2021-02-13. Review status: criteria provided, single submitter. Criteria: Invitae Variant Classification Sherloc (09022015). Collection method: clinical testing. Allele origin: germline.
Comment: This sequence change replaces arginine with leucine at codon 119 of the SOX10 protein (p.Arg119Leu). The arginine residue is highly conserved and there is a moderate physicochemical difference between arginine and leucine. This variant is not present in population databases (ExAC no frequency). This variant has not been reported in the literature in individuals with SOX10-related conditions. Algorithms developed to predict the effect of missense changes on protein structure and function are either unavailable or do not agree on the potential impact of this missense change (SIFT: "Deleterious"; PolyPhen-2: "Probably Damaging"; Align-GVGD: "Class C0"). In summary, the available evidence is currently insufficient to determine the role of this variant in disease. Therefore, it has been classified as a Variant of Uncertain Significance.

NM_006941.4(SOX10):c.356G>T (p.Arg119Leu)

Genes: POLR2F (RNA polymerase II, I and III subunit F; plus strand), SOX10 (SRY-box transcription factor 10; minus strand). Cytogenetic location: 22q13.1.
Variant type: single nucleotide variant.
Coding change: c.356G>T on transcript NM_006941.4 (MANE Select); coding-DNA position 356, G replaced by T.
Protein change: p.Arg119Leu; replaces arginine 119 with leucine.
Molecular consequence: missense variant. On other transcripts: intron variant (3).
Genome position (GRCh38, 1-based): chr22:37,983,429, C>A on the plus strand (G>T on the coding strand, the complement: SOX10 is on the minus strand). VCF-style: chr22-37983429-C-A. GRCh37 (hg19) VCF-style: chr22-38379436-C-A.
Other names: c.*38+11119C>A (NM_001363825.1); c.294-2725C>A (NM_001301130.2); c.293+16259C>A (NM_001301131.2); short protein forms R119L.
Identifiers: ClinVar variation 1469567 (VCV001469567.8), dbSNP rs2145777024, ClinGen allele CA411500413.